The following is an entry in ClinVar:

ClinVar aggregate classification (germline): Benign/Likely benign. Review status: criteria provided, multiple submitters, no conflicts (2 of 4 stars). 3 submissions from 3 submitters: Benign (1); Likely benign (2). Last evaluated 2026-01-08.

Allele frequency attached by ClinVar (database versions not stated): ESP Exome Variant Server 0.00008; gnomAD 0.00049 and 0.00060; TOPMed 0.00079; gnomAD exomes 0.00138; ExAC 0.00139; 1000 Genomes Project 30x 0.00265; 1000 Genomes Project 0.00280.
gnomAD v4.1: 785 of 1,585,242 alleles (0.05%); highest among the groups gnomAD compares: East Asian, 1.4%; 5 homozygotes.

Submissions (3):

Labcorp Genetics (formerly Invitae), Labcorp
Classification: Benign. Last evaluated: 2026-01-08. Review status: criteria provided, single submitter. Criteria: Invitae Variant Classification Sherloc (09022015). Collection method: clinical testing. Allele origin: germline.

CeGaT Center for Human Genetics Tuebingen
Classification: Likely benign. Last evaluated: 2025-11-01. Review status: criteria provided, single submitter. Criteria: CeGaT Center For Human Genetics Tuebingen Variant Classification Criteria Version 2. Collection method: clinical testing. Allele origin: germline. Affected: yes. Observed: 1 variant allele.
Comment: USP7: BP4, BS1

Blueprint Genetics
Classification: Likely benign. Last evaluated: 2024-11-25. Review status: criteria provided, single submitter. Criteria: ACMG Guidelines, 2015. Collection method: clinical testing. Allele origin: germline.

NM_003470.3(USP7):c.2309+8C>T

Gene: USP7 (ubiquitin specific peptidase 7; minus strand). Cytogenetic location: 16p13.2.
Variant type: single nucleotide variant.
Coding change: c.2309+8C>T on transcript NM_003470.3 (MANE Select); 8 bases into the intron after coding-DNA position 2309, C replaced by T.
Molecular consequence: intron variant.
Genome position (GRCh38, 1-based): chr16:8,900,522, G>A on the plus strand (C>T on the coding strand, the complement: USP7 is on the minus strand). VCF-style: chr16-8900522-G-A. GRCh37 (hg19) VCF-style: chr16-8994379-G-A.
Other names: c.2135+8C>T (NM_001321858.2); c.2261+8C>T (NM_001286457.2); c.2012+8C>T (NM_001286458.2).
Identifiers: ClinVar variation 708192 (VCV000708192.16), dbSNP rs75971563, ClinGen allele CA7895083.